The following is an entry in ClinVar:

ClinVar aggregate classification (germline): Benign/Likely benign. Review status: criteria provided, multiple submitters, no conflicts (2 of 4 stars). 7 submissions from 7 submitters: Benign (2); Likely benign (5). Last evaluated 2026-09-01.

Conditions:
Autosomal recessive nonsyndromic hearing loss 16. Also called: DEAFNESS, AUTOSOMAL RECESSIVE 16; DFNB16 Nonsyndromic Hearing Loss and Deafness. Identifiers: Orphanet 90636, MedGen C1863561, MONDO:0011364, OMIM 603720.

Allele frequency attached by ClinVar (database versions not stated): 1000 Genomes Project 30x 0.00203; ESP Exome Variant Server 0.00401; gnomAD 0.00472 and 0.00486; gnomAD exomes 0.00566; ExAC 0.00639.

Submissions (7):

CeGaT Center for Human Genetics Tuebingen
Classification: Likely benign. Last evaluated: 2026-09-01. Review status: criteria provided, single submitter. Criteria: CeGaT Center For Human Genetics Tuebingen Variant Classification Criteria Version 2. Collection method: clinical testing. Allele origin: germline. Affected: yes. Observed: 4 variant alleles.
Comment: STRC: BP4, BP7

Blueprint Genetics
Classification: Likely benign. Last evaluated: 2024-11-23. Review status: criteria provided, single submitter. Criteria: ACMG Guidelines, 2015. Collection method: clinical testing. Allele origin: germline.

Mayo Clinic Laboratories, Mayo Clinic
Classification: Benign. Last evaluated: 2024-10-17. Review status: criteria provided, single submitter. Criteria: ACMG Guidelines, 2015. Collection method: clinical testing. Allele origin: germline. Observed: 3 variant alleles.
Comment: BA1, BP4, BP7

GeneDx
Classification: Likely benign. Last evaluated: 2017-05-19. Review status: criteria provided, single submitter. Criteria: GeneDx Variant Classification (06012015). Collection method: clinical testing. Allele origin: germline. Affected: yes.
Comment: This variant is considered likely benign or benign based on one or more of the following criteria: it is a conservative change, it occurs at a poorly conserved position in the protein, it is predicted to be benign by multiple in silico algorithms, and/or has population frequency not consistent with disease.

Laboratory for Molecular Medicine, Mass General Brigham Personalized Medicine
Classification: Benign. Last evaluated: 2012-04-30. Review status: criteria provided, single submitter. Criteria: LMM Criteria. Collection method: clinical testing. Allele origin: germline. Observed: 11 variant alleles.
Comment: Pro166Pro in Exon 02 of STRC: This variant is not expected to have clinical sign ificance because it does not alter an amino acid residue, is not located within the splice consensus sequence, and has been identified in 0.6% (40/7014) of Euro pean American chromosomes from a broad population by the NHLBI Exome Sequencing Project (dbSNP rs139848805).

Breakthrough Genomics
Classification: Likely benign. Review status: criteria provided, single submitter. Criteria: ACMG Guidelines, 2015. Collection method: not provided. Allele origin: germline. Inheritance: Autosomal recessive inheritance. Affected: yes.

Genome-Nilou Lab
Classification: Likely benign for Autosomal recessive nonsyndromic hearing loss 16. Review status: criteria provided, single submitter. Criteria: ACMG Guidelines, 2015. Collection method: clinical testing. Allele origin: germline.

NM_153700.2(STRC):c.498G>A (p.Pro166=)

Gene: STRC (stereocilin; minus strand). Cytogenetic location: 15q15.3.
Variant type: single nucleotide variant.
Coding change: c.498G>A on transcript NM_153700.2 (MANE Select); coding-DNA position 498, G replaced by A.
Protein change: p.Pro166=; no amino-acid change (proline 166 retained).
Molecular consequence: synonymous variant.
Genome position (GRCh38, 1-based): chr15:43,617,923, C>T on the plus strand (G>A on the coding strand, the complement: STRC is on the minus strand). VCF-style: chr15-43617923-C-T. GRCh37 (hg19) VCF-style: chr15-43910121-C-T.
Other names: p.Pro166=.
Identifiers: ClinVar variation 165324 (VCV000165324.22), dbSNP rs139848805, ClinGen allele CA178070.